The following is an entry in ClinVar:

ClinVar aggregate classification (germline): Uncertain significance. Review status: criteria provided, multiple submitters, no conflicts (2 of 4 stars). 3 submissions from 3 submitters: Uncertain significance (3). Last evaluated 2025-01-27.

Conditions:
Hereditary cancer-predisposing syndrome. Also called: Tumor predisposition; Neoplastic Syndromes, Hereditary; Hereditary Cancer Syndrome; Hereditary neoplastic syndrome. Identifiers: Orphanet 140162, MedGen C0027672, MeSH D009386, MONDO:0015356.
POLD1-related polyposis and colorectal cancer syndrome (CRCS10). Also called: Colorectal cancer 10; COLORECTAL CANCER, SUSCEPTIBILITY TO, ON CHROMOSOME 19q; Colorectal cancer, susceptibility to, 10. Identifiers: Orphanet 220460, MedGen C2675481, MONDO:0012953, OMIM 612591.

Allele frequency attached by ClinVar (database versions not stated): TOPMed 0.00001.
gnomAD v4.1: 4 of 1,585,842 alleles (0.00025%); highest among the groups gnomAD compares: Non-Finnish European, 0.00034%; no homozygotes.

Submissions (3):

Ambry Genetics
Classification: Uncertain significance for Hereditary cancer-predisposing syndrome. Last evaluated: 2025-01-27. Review status: criteria provided, single submitter. Criteria: Ambry Variant Classification Scheme 2023. Collection method: clinical testing. Allele origin: germline.
Comment: The p.F34L variant (also known as c.102C>A), located in coding exon 1 of the POLD1 gene, results from a C to A substitution at nucleotide position 102. The phenylalanine at codon 34 is replaced by leucine, an amino acid with highly similar properties. This amino acid position is well conserved in available vertebrate species. In addition, this alteration is predicted to be tolerated by in silico analysis. Based on the available evidence, the clinical significance of this variant remains unclear.

Labcorp Genetics (formerly Invitae), Labcorp
Classification: Uncertain significance for POLD1-related polyposis and colorectal cancer syndrome. Last evaluated: 2024-10-15. Review status: criteria provided, single submitter. Criteria: Invitae Variant Classification Sherloc (09022015). Collection method: clinical testing. Allele origin: germline.
Comment: This sequence change replaces phenylalanine, which is neutral and non-polar, with leucine, which is neutral and non-polar, at codon 34 of the POLD1 protein (p.Phe34Leu). This variant is not present in population databases (gnomAD no frequency). This variant has not been reported in the literature in individuals affected with POLD1-related conditions. ClinVar contains an entry for this variant (Variation ID: 619712). An algorithm developed to predict the effect of missense changes on protein structure and function outputs the following: PolyPhen-2: "Benign". The leucine amino acid residue is found in multiple mammalian species, which suggests that this missense change does not adversely affect protein function. RNA analysis performed to evaluate the impact of this missense change on mRNA splicing indicates it does not significantly alter splicing (internal data). In summary, the available evidence is currently insufficient to determine the role of this variant in disease. Therefore, it has been classified as a Variant of Uncertain Significance.

Quest Diagnostics Nichols Institute San Juan Capistrano
Classification: Uncertain significance. Last evaluated: 2017-12-08. Review status: criteria provided, single submitter. Criteria: Quest Diagnostics criteria. Collection method: clinical testing. Allele origin: germline.

NM_002691.4(POLD1):c.102C>A (p.Phe34Leu)

Gene: POLD1 (DNA polymerase delta 1, catalytic subunit; plus strand). Cytogenetic location: 19q13.33.
Variant type: single nucleotide variant.
Coding change: c.102C>A on transcript NM_002691.4 (MANE Select); coding-DNA position 102, C replaced by A.
Protein change: p.Phe34Leu; replaces phenylalanine 34 with leucine.
Molecular consequence: missense variant. On other transcripts: non-coding transcript variant (1).
Genome position (GRCh38, 1-based): chr19:50,398,953, C>A. VCF-style: chr19-50398953-C-A. GRCh37 (hg19) VCF-style: chr19-50902210-C-A.
Other names: c.102C>A, p.Phe34Leu (NM_001256849.1, NM_001308632.1); c.102C>A (NM_002691.2); short protein forms F34L.
Identifiers: ClinVar variation 619712 (VCV000619712.9), dbSNP rs754716741, ClinGen allele CA406970142.